The following is an entry in ClinVar:

NC_000011.10:g.1999326C>T

Genes: MRPL23 (mitochondrial ribosomal protein L23; plus strand), H19 (H19 imprinted maternally expressed transcript; minus strand), H19-ICR (H19/IGF2 imprinting control region; plus strand). Cytogenetic location: 11p15.5.
Variant type: single nucleotide variant.
Molecular consequence: intron variant (on NM_001400176.1).
Genome position: GRCh38 VCF-style: chr11-1999326-C-T. GRCh37 (hg19) VCF-style: chr11-2020556-C-T.
Other names: c.498-12215C>T (NM_001400176.1).
Identifiers: ClinVar variation 4985636 (VCV004985636.1).
Genomic context (GRCh38, chr11:1,999,326, plus strand): 5'-CGCAGGCACGGGGAACACCTGTGGGCAAATTCACCTCTCCACGTGCCAACTACCGCCGGC[C>T]GGACGTGATGATCCCTGAGCGTGGAGCACACCCGAGCCATCGAACATCCTAACCCCATCA-3'

ClinVar aggregate classification (germline): Likely benign (1 of 4 stars; one submission).

Conditions:
H19-related disorder. Also called: H19-related condition.

Submission:

PreventionGenetics, part of Exact Sciences
Classification: Likely benign for H19-related condition. Last evaluated: 2024-12-26. Review status: criteria provided, single submitter. Criteria: ACMG Guidelines, 2015. Collection method: clinical testing. Allele origin: germline.
Comment: This variant is classified as likely benign based on ACMG/AMP sequence variant interpretation guidelines (Richards et al. 2015 PMID: 25741868, with internal and published modifications).